The following is an entry in ClinVar:

ClinVar aggregate classification (germline): Uncertain significance (1 of 4 stars; one submission).

Conditions:
Hereditary cancer-predisposing syndrome. Also called: Neoplastic Syndromes, Hereditary; Tumor predisposition; Hereditary Cancer Syndrome; Hereditary neoplastic syndrome. Identifiers: Orphanet 140162, MedGen C0027672, MeSH D009386, MONDO:0015356.

Submission:

Ambry Genetics
Classification: Uncertain significance for Hereditary cancer-predisposing syndrome. Last evaluated: 2026-05-20. Review status: criteria provided, single submitter. Criteria: Ambry Variant Classification Scheme 2023. Collection method: clinical testing. Allele origin: germline.
Comment: The c.4185+4A>G intronic variant results from an A to G substitution 4 nucleotides after coding exon 10 in the BRCA1 gene. This nucleotide position is well conserved in available vertebrate species. In silico splice site analysis predicts that this alteration may weaken the native splice donor site; however, direct evidence is insufficient at this time (Ambry internal data). Based on the available evidence, the clinical significance of this variant remains unclear.

NM_007294.4(BRCA1):c.4185+4A>G

Gene: BRCA1 (BRCA1 DNA repair associated; minus strand). Cytogenetic location: 17q21.31.
Variant type: single nucleotide variant.
Coding change: c.4185+4A>G on transcript NM_007294.4 (MANE Select); 4 bases into the intron after coding-DNA position 4185, A replaced by G.
Molecular consequence: intron variant.
Genome position (GRCh38, 1-based): chr17:43,090,940, T>C on the plus strand (A>G on the coding strand, the complement: BRCA1 is on the minus strand). VCF-style: chr17-43090940-T-C. GRCh37 (hg19) VCF-style: chr17-41242957-T-C.
Other names: c.4041+4A>G (NM_001407849.1, NM_001407845.1, NM_001407744.1 and 20 more transcripts); c.612+4A>G (NM_001408496.1, NM_001408499.1, NM_001408498.1 and 3 more transcripts); c.3921+4A>G (NM_001407929.1, NM_001407924.1, NM_001407920.1 and 9 more transcripts); c.735+4A>G (NM_001408460.1, NM_001408454.1, NM_001408456.1 and 11 more transcripts); c.4044+4A>G (NM_001407852.1, NM_001407750.1, NM_001407732.1 and 29 more transcripts); c.795+4A>G (NM_001408413.1, NM_001408416.1); c.4104+4A>G (NM_001407660.1, NM_001407661.1, NM_001407659.1 and 1 more transcripts); c.675+4A>G (NM_001408476.1, NM_001408474.1); and 41 more.
Identifiers: ClinVar variation 4867735 (VCV004867735.1).